The following is an entry in ClinVar:

ClinVar aggregate classification (germline): Uncertain significance (1 of 4 stars; one submission).

Conditions:
Cardiovascular phenotype. Identifiers: MedGen CN230736.

Submission:

Ambry Genetics
Classification: Uncertain significance for Cardiovascular phenotype. Last evaluated: 2025-10-06. Review status: criteria provided, single submitter. Criteria: Ambry Variant Classification Scheme 2023. Collection method: clinical testing. Allele origin: germline.
Comment: The p.W3587R variant (also known as c.10759T>C), located in coding exon 76 of the RYR2 gene, results from a T to C substitution at nucleotide position 10759. The tryptophan at codon 3587 is replaced by arginine, an amino acid with dissimilar properties. This amino acid position is highly conserved in available vertebrate species. In addition, this alteration is predicted to be deleterious by in silico analysis. Based on the available evidence, the clinical significance of this variant remains unclear.

NM_001035.3(RYR2):c.10759T>C (p.Trp3587Arg)

Gene: RYR2 (ryanodine receptor 2; plus strand). Cytogenetic location: 1q43.
Variant type: single nucleotide variant.
Coding change: c.10759T>C on transcript NM_001035.3 (MANE Select); coding-DNA position 10759, T replaced by C.
Protein change: p.Trp3587Arg; replaces tryptophan 3587 with arginine.
Molecular consequence: missense variant.
Genome position (GRCh38, 1-based): chr1:237,727,120, T>C. VCF-style: chr1-237727120-T-C. GRCh37 (hg19) VCF-style: chr1-237890420-T-C.
Other names: short protein forms W3587R.
Identifiers: ClinVar variation 4614851 (VCV004614851.1).